The following is an entry in ClinVar:

ClinVar aggregate classification (germline): Likely benign (1 of 4 stars; one submission).

Conditions:
HSD17B4-related disorder. Also called: HSD17B4-related condition; HSD17B4-related disorders.

gnomAD v4.1: 4 of 1,593,082 alleles (0.00025%); highest among the groups gnomAD compares: East Asian, 0.0045%; no homozygotes.

Submission:

PreventionGenetics, part of Exact Sciences
Classification: Likely benign for HSD17B4-related condition. Last evaluated: 2025-02-21. Review status: criteria provided, single submitter. Criteria: ACMG Guidelines, 2015. Collection method: clinical testing. Allele origin: germline.
Comment: This variant is classified as likely benign based on ACMG/AMP sequence variant interpretation guidelines (Richards et al. 2015 PMID: 25741868, with internal and published modifications).

NM_000414.4(HSD17B4):c.1761A>G (p.Gln587=)

Gene: HSD17B4 (hydroxysteroid 17-beta dehydrogenase 4; plus strand). Cytogenetic location: 5q23.1.
Variant type: single nucleotide variant.
Coding change: c.1761A>G on transcript NM_000414.4 (MANE Select); coding-DNA position 1761, A replaced by G.
Protein change: p.Gln587=; no amino-acid change (glutamine 587 retained).
Molecular consequence: synonymous variant. On other transcripts: non-coding transcript variant (2).
Genome position (GRCh38, 1-based): chr5:119,527,213, A>G. VCF-style: chr5-119527213-A-G. GRCh37 (hg19) VCF-style: chr5-118862908-A-G.
Other names: c.1836A>G, p.Gln612= (NM_001199291.3); c.1707A>G, p.Gln569= (NM_001199292.2); c.1689A>G, p.Gln563= (NM_001292027.2, NM_001374498.1); c.1341A>G, p.Gln447= (NM_001292028.2); c.1752A>G, p.Gln584= (NM_001374497.1); c.1434A>G, p.Gln478= (NM_001374499.1); c.1320A>G, p.Gln440= (NM_001374500.1); c.1350A>G, p.Gln450= (NM_001374501.1, NM_001374502.1, NM_001374503.1).
Identifiers: ClinVar variation 4977373 (VCV004977373.1).